The following is an entry in ClinVar:

ClinVar aggregate classification (germline): Pathogenic (1 of 4 stars; one submission).

Allele frequency attached by ClinVar (database versions not stated): gnomAD exomes below 0.00001.

Submission:

Labcorp Genetics (formerly Invitae), Labcorp
Classification: Pathogenic. Last evaluated: 2023-08-27. Review status: criteria provided, single submitter. Criteria: Invitae Variant Classification Sherloc (09022015). Collection method: clinical testing. Allele origin: germline.
Comment: For these reasons, this variant has been classified as Pathogenic. This variant has not been reported in the literature in individuals affected with ERCC3-related conditions. This variant is not present in population databases (gnomAD no frequency). This sequence change creates a premature translational stop signal (p.His114Alafs*2) in the ERCC3 gene. It is expected to result in an absent or disrupted protein product. Loss-of-function variants in ERCC3 are known to be pathogenic (PMID: 16947863).

Literature cited by the submitters: PubMed 16947863.

NM_000122.2(ERCC3):c.338dup (p.His114fs)

Gene: ERCC3 (ERCC excision repair 3, TFIIH core complex helicase subunit; minus strand). Cytogenetic location: 2q14.3.
Variant type: Duplication.
Coding change: c.338dup on transcript NM_000122.2 (MANE Select); coding-DNA position 338, one base duplicated (T; older notation c.338dupT).
Protein change: p.His114fs; shifts the reading frame from histidine 114.
Molecular consequence: frameshift variant.
Genome position (GRCh38, 1-based): chr2:127,292,743, A duplicated on the plus strand (T on the coding strand, the reverse complement: ERCC3 is on the minus strand). VCF-style (leftmost placement, unchanged base first): chr2-127292742-C-CA. GRCh37 (hg19) VCF-style: chr2-128050318-C-CA.
Other names: c.146dup, p.His50fs (NM_001303416.2, NM_001303418.2); short protein forms H114fs, H50fs.
Identifiers: ClinVar variation 2755393 (VCV002755393.3), dbSNP rs2468067807, ClinGen allele CA2660987383.